The following is an entry in ClinVar:

ClinVar aggregate classification (germline): Conflicting classifications of pathogenicity. Review status: criteria provided, conflicting classifications (1 of 4 stars). 3 submissions from 3 submitters: Uncertain significance (2); Likely benign (1). Last evaluated 2026-07-01.

Conditions:
Dystonic disorder. Also called: Dystonia. Identifiers: MedGen C0013421, MONDO:0003441, HP:0001332.

Allele frequency attached by ClinVar (database versions not stated): gnomAD 0.00003; TOPMed 0.00003; gnomAD exomes 0.00006; ExAC 0.00007; ESP Exome Variant Server 0.00008.
gnomAD v4.1: 98 of 1,614,088 alleles (0.0061%); highest among the groups gnomAD compares: Non-Finnish European, 0.0075%; no homozygotes.

Submissions (3):

CeGaT Center for Human Genetics Tuebingen
Classification: Uncertain significance. Last evaluated: 2026-07-01. Review status: criteria provided, single submitter. Criteria: CeGaT Center For Human Genetics Tuebingen Variant Classification Criteria Version 2. Collection method: clinical testing. Allele origin: germline. Affected: yes. Observed: 2 variant alleles.
Comment: SPR: PM2, BP4

Labcorp Genetics (formerly Invitae), Labcorp
Classification: Uncertain significance for Dystonic disorder. Last evaluated: 2025-03-31. Review status: criteria provided, single submitter. Criteria: Invitae Variant Classification Sherloc (09022015). Collection method: clinical testing. Allele origin: germline.
Comment: This sequence change replaces glutamic acid, which is acidic and polar, with lysine, which is basic and polar, at codon 249 of the SPR protein (p.Glu249Lys). This variant is present in population databases (rs369387459, gnomAD 0.01%). This variant has not been reported in the literature in individuals affected with SPR-related conditions. ClinVar contains an entry for this variant (Variation ID: 1382722). Invitae Evidence Modeling of protein sequence and biophysical properties (such as structural, functional, and spatial information, amino acid conservation, physicochemical variation, residue mobility, and thermodynamic stability) indicates that this missense variant is not expected to disrupt SPR protein function with a negative predictive value of 80%. In summary, the available evidence is currently insufficient to determine the role of this variant in disease. Therefore, it has been classified as a Variant of Uncertain Significance.

Blueprint Genetics
Classification: Likely benign. Last evaluated: 2024-11-25. Review status: criteria provided, single submitter. Criteria: ACMG Guidelines, 2015. Collection method: clinical testing. Allele origin: germline.

NM_003124.5(SPR):c.745G>A (p.Glu249Lys)

Gene: SPR (sepiapterin reductase; plus strand). Cytogenetic location: 2p13.2.
Variant type: single nucleotide variant.
Coding change: c.745G>A on transcript NM_003124.5 (MANE Select); coding-DNA position 745, G replaced by A.
Protein change: p.Glu249Lys; replaces glutamic acid 249 with lysine.
Molecular consequence: missense variant.
Genome position (GRCh38, 1-based): chr2:72,891,496, G>A. VCF-style: chr2-72891496-G-A. GRCh37 (hg19) VCF-style: chr2-73118625-G-A.
Other names: short protein forms E249K.
Identifiers: ClinVar variation 1382722 (VCV001382722.30), dbSNP rs369387459, ClinGen allele CA1709029.